The following is an entry in ClinVar:

NM_198525.3(KIF7):c.2512C>G (p.Leu838Val)

Gene: KIF7 (kinesin family member 7; minus strand). Cytogenetic location: 15q26.1.
Variant type: single nucleotide variant.
Coding change: c.2512C>G on transcript NM_198525.3 (MANE Select); coding-DNA position 2512, C replaced by G.
Protein change: p.Leu838Val; replaces leucine 838 with valine.
Molecular consequence: missense variant.
Genome position (GRCh38, 1-based): chr15:89,633,766, G>C on the plus strand (C>G on the coding strand, the complement: KIF7 is on the minus strand). VCF-style: chr15-89633766-G-C. GRCh37 (hg19) VCF-style: chr15-90176997-G-C.
Other names: short protein forms L838V.
Identifiers: ClinVar variation 2002763 (VCV002002763.4), dbSNP rs367977261, ClinGen allele CA393759743.
Genomic context (GRCh38, chr15:89,633,766, plus strand): 5'-TGCTCATTTCTGCCTCCAGGCGCCGCTTCTGCTCCGTCTCCTCGCGAAGCCGCCTCTGCA[G>C]CTGTCCCTGCTGCTGCCGCATGAGCTGCACGTTCCGCTCGAGCTCCTGCAGTCGCTTCTC-3'
Protein context (NP_940927.2, residues 828-848): VQLMRQQQGQ[Leu838Val]QRRLREETEQ

ClinVar aggregate classification (germline): Uncertain significance (1 of 4 stars; one submission).

Conditions:
Acrocallosal syndrome (ACLS). Also called: HALLUX DUPLICATION, POSTAXIAL POLYDACTYLY, AND ABSENCE OF CORPUS CALLOSUM; Schinzel syndrome 1; Absence of corpus callosum with unusual facial appearance, mental deficiency, duplication of the halluces and polydactyly. Identifiers: Orphanet 36, MedGen C0796147, MONDO:0008708, OMIM 200990.

Submission:

Labcorp Genetics (formerly Invitae), Labcorp
Classification: Uncertain significance for Acrocallosal syndrome. Last evaluated: 2022-06-08. Review status: criteria provided, single submitter. Criteria: Invitae Variant Classification Sherloc (09022015). Collection method: clinical testing. Allele origin: germline.
Comment: In summary, the available evidence is currently insufficient to determine the role of this variant in disease. Therefore, it has been classified as a Variant of Uncertain Significance. Algorithms developed to predict the effect of missense changes on protein structure and function (SIFT, PolyPhen-2, Align-GVGD) all suggest that this variant is likely to be disruptive. This variant has not been reported in the literature in individuals affected with KIF7-related conditions. This variant is not present in population databases (gnomAD no frequency). This sequence change replaces leucine, which is neutral and non-polar, with valine, which is neutral and non-polar, at codon 838 of the KIF7 protein (p.Leu838Val).